The following is an entry in ClinVar:

ClinVar aggregate classification (germline): Benign. Review status: criteria provided, multiple submitters, no conflicts (2 of 4 stars). 2 submissions from 2 submitters: Benign (2). Last evaluated 2018-01-13.

Conditions:
Pseudohypoaldosteronism type 2C (PHA2C). Also called: Pseudohypoaldosteronism Type IIC. Identifiers: Orphanet 757, Orphanet 88940, MedGen C1840391, MONDO:0013778, OMIM 614492.

Allele frequency attached by ClinVar (database versions not stated): gnomAD 0.00300 and 0.00381; gnomAD exomes 0.00333; TOPMed 0.00357; 1000 Genomes Project 30x 0.01093; 1000 Genomes Project 0.01178.
gnomAD v4.1: 2,139 of 621,878 alleles (0.34%); highest among the groups gnomAD compares: South Asian, 2.7%; 44 homozygotes.

Submissions (2):

Illumina Laboratory Services, Illumina
Classification: Benign for Pseudohypoaldosteronism type 2C. Last evaluated: 2018-01-13. Review status: criteria provided, single submitter. Criteria: ICSL Variant Classification Criteria 13 December 2019. Collection method: clinical testing. Allele origin: germline.
Comment: This variant was observed in the ICSL laboratory as part of a predisposition screen in an ostensibly healthy population. It had not been previously curated by ICSL or reported in the Human Gene Mutation Database (HGMD: prior to June 1st, 2018), and was therefore a candidate for classification through an automated scoring system. Utilizing variant allele frequency, disease prevalence and penetrance estimates, and inheritance mode, an automated score was calculated to assess if this variant is too frequent to cause the disease. Based on the score and internal cut-off values, a variant classified as benign is not then subjected to further curation. The score for this variant resulted in a classification of benign for this disease.

Breakthrough Genomics
Classification: Benign. Review status: criteria provided, single submitter. Criteria: ACMG Guidelines, 2015. Collection method: not provided. Allele origin: germline. Inheritance: Autosomal recessive inheritance. Affected: yes.

NM_018979.4(WNK1):c.-213G>T

Gene: WNK1 (WNK lysine deficient protein kinase 1; plus strand). Cytogenetic location: 12p13.33.
Variant type: single nucleotide variant.
Coding change: c.-213G>T on transcript NM_018979.4 (MANE Select); 213 bases upstream of the start codon, G replaced by T.
Molecular consequence: 5 prime UTR variant.
Genome position (GRCh38, 1-based): chr12:753,353, G>T. VCF-style: chr12-753353-G-T. GRCh37 (hg19) VCF-style: chr12-862519-G-T.
Other names: c.-213G>T (NM_001184985.2, NM_014823.3, NM_213655.5).
Identifiers: ClinVar variation 310529 (VCV000310529.6), dbSNP rs372134044, ClinGen allele CA10642466.
Genomic context (GRCh38, chr12:753,353, plus strand): 5'-GGCGCTAACCCCCGTGGCTCAGCTCCCGAATCGCCCGCCTTCGAGCCCTCCTCGTGAGCC[G>T]CAGCAGCCTCGGTGCCAGCCCCCGCCGCAGCTGGGCCCAGCGGTCCGCCTGTCCCTCGTT-3'